The following is an entry in ClinVar:

NM_033118.4(MYLK2):c.1395G>A (p.Met465Ile)

Gene: MYLK2 (myosin light chain kinase 2; plus strand). Cytogenetic location: 20q11.21.
Variant type: single nucleotide variant.
Coding change: c.1395G>A on transcript NM_033118.4 (MANE Select); coding-DNA position 1395, G replaced by A.
Protein change: p.Met465Ile; replaces methionine 465 with isoleucine.
Molecular consequence: missense variant.
Genome position (GRCh38, 1-based): chr20:31,831,112, G>A. VCF-style: chr20-31831112-G-A. GRCh37 (hg19) VCF-style: chr20-30418915-G-A.
Other names: short protein forms M465I.
Identifiers: ClinVar variation 2154328 (VCV002154328.4), dbSNP rs2515460419, ClinGen allele CA408527792.

ClinVar aggregate classification (germline): Uncertain significance (1 of 4 stars; one submission).

Conditions:
Hypertrophic cardiomyopathy 1 (CMH1). Also called: Familial hypertrophic cardiomyopathy 1; MYH7-Related Familial Hypertrophic Cardiomyopathy. Identifiers: MedGen C3495498, MONDO:0008647, OMIM 192600.

Allele frequency attached by ClinVar (database versions not stated): gnomAD exomes below 0.00001.

Submission:

Labcorp Genetics (formerly Invitae), Labcorp
Classification: Uncertain significance for Hypertrophic cardiomyopathy 1. Last evaluated: 2022-05-23. Review status: criteria provided, single submitter. Criteria: Invitae Variant Classification Sherloc (09022015). Collection method: clinical testing. Allele origin: germline.
Comment: In summary, the available evidence is currently insufficient to determine the role of this variant in disease. Therefore, it has been classified as a Variant of Uncertain Significance. Algorithms developed to predict the effect of missense changes on protein structure and function are either unavailable or do not agree on the potential impact of this missense change (SIFT: "Deleterious"; PolyPhen-2: "Probably Damaging"; Align-GVGD: "Class C0"). This variant has not been reported in the literature in individuals affected with MYLK2-related conditions. This variant is not present in population databases (gnomAD no frequency). This sequence change replaces methionine, which is neutral and non-polar, with isoleucine, which is neutral and non-polar, at codon 465 of the MYLK2 protein (p.Met465Ile).